The following is an entry in ClinVar:

ClinVar aggregate classification (germline): Conflicting classifications of pathogenicity. Review status: criteria provided, conflicting classifications (1 of 4 stars). 7 submissions from 7 submitters: Uncertain significance (2); Benign (2); Likely benign (3). Last evaluated 2026-06-15.

Conditions:
WNK1-related disorder. Also called: WNK1-related condition.
Inborn genetic diseases. Identifiers: MedGen C0950123, MeSH D030342.
Neuropathy, hereditary sensory and autonomic, type 2A (HSAN2A). Also called: HSAN IIA; MORVAN DISEASE; NEUROPATHY, CONGENITAL SENSORY; NEUROPATHY, HEREDITARY SENSORY RADICULAR, AUTOSOMAL RECESSIVE; NEUROPATHY, HEREDITARY SENSORY, TYPE IIA; WNK1-Related HSAN2 (HSAN2A). Identifiers: Orphanet 970, MedGen C2752089, MONDO:0024309, OMIM 201300.
Pseudohypoaldosteronism type 2C (PHA2C). Also called: Pseudohypoaldosteronism Type IIC. Identifiers: Orphanet 757, Orphanet 88940, MedGen C1840391, MONDO:0013778, OMIM 614492.

Allele frequency attached by ClinVar (database versions not stated): 1000 Genomes Project 30x 0.00109; 1000 Genomes Project 0.00120; TOPMed 0.00131; ESP Exome Variant Server 0.00192.
gnomAD v4.1: 315 of 1,614,174 alleles (0.02%); highest among the groups gnomAD compares: African/African-American, 0.38%; no homozygotes.

Submissions (7):

GeneDx
Classification: Uncertain significance. Last evaluated: 2026-06-15. Review status: criteria provided, single submitter. Criteria: GeneDx Variant Classification Process June 2021. Collection method: clinical testing. Allele origin: germline.
Comment: In silico analysis supports that this missense variant has a deleterious effect on protein structure/function; Has not been previously published as pathogenic or benign to our knowledge

Labcorp Genetics (formerly Invitae), Labcorp
Classification: Likely benign for Neuropathy, hereditary sensory and autonomic, type 2A; Pseudohypoaldosteronism type 2C. Last evaluated: 2025-12-08. Review status: criteria provided, single submitter. Criteria: Invitae Variant Classification Sherloc (09022015). Collection method: clinical testing. Allele origin: germline.

PreventionGenetics, part of Exact Sciences
Classification: Benign for WNK1-related condition. Last evaluated: 2025-06-05. Review status: criteria provided, single submitter. Criteria: ACMG Guidelines, 2015. Collection method: clinical testing. Allele origin: germline.
Comment: This variant is classified as benign based on ACMG/AMP sequence variant interpretation guidelines (Richards et al. 2015 PMID: 25741868, with internal and published modifications).

Women's Health and Genetics/Laboratory Corporation of America, LabCorp
Classification: Likely benign. Last evaluated: 2024-09-23. Review status: criteria provided, single submitter. Criteria: LabCorp Variant Classification Summary - May 2015. Collection method: clinical testing. Allele origin: germline.
Comment: Variant summary: WNK1 c.6624C>A (p.Ser2208Arg) results in a non-conservative amino acid change in the encoded protein sequence. Three of five in-silico tools predict a damaging effect of the variant on protein function. The variant allele was found at a frequency of 0.00031 in 251416 control chromosomes, predominantly at a frequency of 0.0044 within the African or African-American subpopulation in the gnomAD database. The observed variant frequency within African or African-American control individuals in the gnomAD database exceeds the estimated maximal expected allele frequency for a pathogenic variant in WNK1 causing Neuropathy, Hereditary Sensory And Autonomic, Type 2A phenotype. To our knowledge, no occurrence of c.6624C>A in individuals affected with Neuropathy, Hereditary Sensory And Autonomic, Type 2A and no experimental evidence demonstrating its impact on protein function have been reported. ClinVar contains an entry for this variant (Variation ID: 195979). Based on the evidence outlined above, the variant was classified as likely benign.

Mayo Clinic Laboratories, Mayo Clinic
Classification: Uncertain significance. Last evaluated: 2023-09-20. Review status: criteria provided, single submitter. Criteria: ACMG Guidelines, 2015. Collection method: clinical testing. Allele origin: germline. Observed: 1 variant allele.
Comment: BS1

Ambry Genetics
Classification: Likely benign for Inborn genetic diseases. Last evaluated: 2019-12-20. Review status: criteria provided, single submitter. Criteria: Ambry Variant Classification Scheme 2023. Collection method: clinical testing. Allele origin: germline.

Eurofins Ntd Llc (ga)
Classification: Benign. Last evaluated: 2015-04-02. Review status: criteria provided, single submitter. Criteria: EGL Classification Definitions 2015. Collection method: clinical testing. Allele origin: germline. Observed: 1 variant allele, 1 heterozygote.

NM_018979.4(WNK1):c.6624C>A (p.Ser2208Arg)

Gene: WNK1 (WNK lysine deficient protein kinase 1; plus strand). Cytogenetic location: 12p13.33.
Variant type: single nucleotide variant.
Coding change: c.6624C>A on transcript NM_018979.4 (MANE Select); coding-DNA position 6624, C replaced by A.
Protein change: p.Ser2208Arg; replaces serine 2208 with arginine.
Molecular consequence: missense variant.
Genome position (GRCh38, 1-based): chr12:900,651, C>A. VCF-style: chr12-900651-C-A. GRCh37 (hg19) VCF-style: chr12-1009817-C-A.
Other names: p.Ser2460Arg; c.7404C>A, p.Ser2468Arg (NM_001184985.2); c.5880C>A, p.Ser1960Arg (NM_014823.3); c.7380C>A, p.Ser2460Arg (NM_213655.5); short protein forms S2460R, S2208R, S2468R, S1960R.
Identifiers: ClinVar variation 195979 (VCV000195979.24), dbSNP rs72650768, ClinGen allele CA202065.